The following is an entry in ClinVar:

ClinVar aggregate classification (germline): Likely pathogenic. Review status: criteria provided, multiple submitters, no conflicts (2 of 4 stars). 2 submissions from 2 submitters: Likely pathogenic (2). Last evaluated 2025-10-03.

Conditions:
Primary hyperoxaluria type 3. Also called: PH III. Identifiers: Orphanet 416, Orphanet 93600, MedGen C3150878, MONDO:0013327, OMIM 613616. Disease mechanism: loss of function.

Allele frequency attached by ClinVar (database versions not stated): gnomAD 0.00001; TOPMed 0.00001.
gnomAD v4.1: 1 of 1,613,894 alleles (0.000062%); highest among the groups gnomAD compares: Non-Finnish European, 0.000085%; no homozygotes.

Submissions (2):

Rare Kidney Stone Consortium and the Mayo Clinic Hyperoxaluria Center, Mayo Clinic
Classification: Likely pathogenic for Primary hyperoxaluria type 3. Last evaluated: 2025-10-03. Review status: criteria provided, single submitter. Criteria: ACMG Guidelines, 2015. Collection method: research. Allele origin: germline. Affected: yes. Observed: 1 variant allele.
Comment: ACMG:PVS1, PM2, PP5

Labcorp Genetics (formerly Invitae), Labcorp
Classification: Likely pathogenic. Last evaluated: 2024-02-15. Review status: criteria provided, single submitter. Criteria: Invitae Variant Classification Sherloc (09022015). Collection method: clinical testing. Allele origin: germline.
Comment: This sequence change affects an acceptor splice site in intron 4 of the HOGA1 gene. It is expected to disrupt RNA splicing. Variants that disrupt the donor or acceptor splice site typically lead to a loss of protein function (PMID: 16199547), and loss-of-function variants in HOGA1 are known to be pathogenic (PMID: 22391140, 22781098). This variant is not present in population databases (gnomAD no frequency). This variant has not been reported in the literature in individuals affected with HOGA1-related conditions. ClinVar contains an entry for this variant (Variation ID: 837846). Algorithms developed to predict the effect of sequence changes on RNA splicing suggest that this variant may disrupt the consensus splice site. In summary, the currently available evidence indicates that the variant is pathogenic, but additional data are needed to prove that conclusively. Therefore, this variant has been classified as Likely Pathogenic.

Literature cited by the submitters: PubMed 40794449 (cited by Rare Kidney Stone Consortium and the Mayo Clinic Hyperoxaluria Center, Mayo Clinic); PubMed 16199547 (cited by Labcorp Genetics (formerly Invitae), Labcorp); PubMed 22391140 (cited by Labcorp Genetics (formerly Invitae), Labcorp); PubMed 22781098 (cited by Labcorp Genetics (formerly Invitae), Labcorp).

NM_138413.4(HOGA1):c.604-1G>C

Gene: HOGA1 (4-hydroxy-2-oxoglutarate aldolase 1; plus strand). Cytogenetic location: 10q24.2.
Variant type: single nucleotide variant.
Coding change: c.604-1G>C on transcript NM_138413.4 (MANE Select); the canonical splice acceptor site of the intron before coding-DNA position 604, G replaced by C.
Molecular consequence: splice acceptor variant. On other transcripts: intron variant (1).
Genome position (GRCh38, 1-based): chr10:97,600,066, G>C. VCF-style: chr10-97600066-G-C. GRCh37 (hg19) VCF-style: chr10-99359823-G-C.
Other names: c.212-1791G>C (NM_001134670.2).
Identifiers: ClinVar variation 837846 (VCV000837846.9), dbSNP rs1402747036, ClinGen allele CA377979394.